The following is an entry in ClinVar:

ClinVar aggregate classification (germline): Uncertain significance (1 of 4 stars; one submission).

Submission:

Labcorp Genetics (formerly Invitae), Labcorp
Classification: Uncertain significance. Last evaluated: 2026-01-07. Review status: criteria provided, single submitter. Criteria: Invitae Variant Classification Sherloc (09022015). Collection method: clinical testing. Allele origin: germline.
Comment: This sequence change replaces glutamic acid, which is acidic and polar, with valine, which is neutral and non-polar, at codon 120 of the TRPV6 protein (p.Glu120Val). This variant is not present in population databases (gnomAD no frequency). This missense change has been observed in individual(s) with chronic pancreatitis (PMID: 34538581). Experimental studies and prediction algorithms are not available or were not evaluated, and the functional significance of this variant is currently unknown. In summary, the available evidence is currently insufficient to determine the role of this variant in disease. Therefore, it has been classified as a Variant of Uncertain Significance.

Literature cited by the submitters: PubMed 34538581.

NM_018646.6(TRPV6):c.359A>T (p.Glu120Val)

Gene: TRPV6 (transient receptor potential cation channel subfamily V member 6; minus strand). Cytogenetic location: 7q34.
Variant type: single nucleotide variant.
Coding change: c.359A>T on transcript NM_018646.6 (MANE Select); coding-DNA position 359, A replaced by T.
Protein change: p.Glu120Val; replaces glutamic acid 120 with valine.
Molecular consequence: missense variant.
Genome position (GRCh38, 1-based): chr7:142,877,761, T>A on the plus strand (A>T on the coding strand, the complement: TRPV6 is on the minus strand). VCF-style: chr7-142877761-T-A. GRCh37 (hg19) VCF-style: chr7-142575514-T-A.
Other names: short protein forms E120V.
Identifiers: ClinVar variation 4781653 (VCV004781653.1).
Genomic context (GRCh38, chr7:142,877,761, plus strand): 5'-TCCATCAGCACCATGGCGGCCTCCAGGTTGTCATAGAGGGCTGCTATGTGTAGCGCTGTT[T>A]CCCCCATGGCTCCTGGCATTTACAGAGAGGTGGGTTATATGGCTTCTGTGGGACAGCGGA-3'
Protein context (NP_061116.5, residues 110-130): CKVHQRGAMG[Glu120Val]TALHIAALYD